The following is an entry in ClinVar:

ClinVar aggregate classification (germline): Uncertain significance (1 of 4 stars; one submission).

Conditions:
Inborn genetic diseases. Identifiers: MedGen C0950123, MeSH D030342.

Submission:

Ambry Genetics
Classification: Uncertain significance for Inborn genetic diseases. Last evaluated: 2024-12-19. Review status: criteria provided, single submitter. Criteria: Ambry Variant Classification Scheme 2023. Collection method: clinical testing. Allele origin: germline.
Comment: The p.D1007E variant (also known as c.3021T>A), located in coding exon 1 of the SAMD9L gene, results from a T to A substitution at nucleotide position 3021. The aspartic acid at codon 1007 is replaced by glutamic acid, an amino acid with highly similar properties. This amino acid position is conserved. In addition, this alteration is predicted to be tolerated by in silico analysis. Based on the available evidence, the clinical significance of this variant remains unclear.

NM_152703.5(SAMD9L):c.3021T>A (p.Asp1007Glu)

Gene: SAMD9L (sterile alpha motif domain containing 9 like; minus strand). Cytogenetic location: 7q21.2.
Variant type: single nucleotide variant.
Coding change: c.3021T>A on transcript NM_152703.5 (MANE Select); coding-DNA position 3021, T replaced by A.
Protein change: p.Asp1007Glu; replaces aspartic acid 1007 with glutamic acid.
Molecular consequence: missense variant.
Genome position (GRCh38, 1-based): chr7:93,132,951, A>T on the plus strand (T>A on the coding strand, the complement: SAMD9L is on the minus strand). VCF-style: chr7-93132951-A-T. GRCh37 (hg19) VCF-style: chr7-92762264-A-T.
Other names: c.3021T>A, p.Asp1007Glu (NM_001350083.2, NM_001350084.2, NM_001350085.2 and 5 more transcripts); short protein forms D1007E.
Identifiers: ClinVar variation 3792224 (VCV003792224.1).